The following is an entry in ClinVar:

ClinVar aggregate classification (germline): Uncertain significance. Review status: criteria provided, multiple submitters, no conflicts (2 of 4 stars). 5 submissions from 5 submitters: Uncertain significance (5). Last evaluated 2023-10-20.

Conditions:
Developmental and epileptic encephalopathy, 18 (DEE18). Also called: Early infantile epileptic encephalopathy 18. Identifiers: Orphanet 369894, MedGen C3809624, MONDO:0014201, OMIM 615476.
Inborn genetic diseases. Identifiers: MedGen C0950123, MeSH D030342.

Allele frequency attached by ClinVar (database versions not stated): gnomAD exomes 0.00002 and 0.00009; TOPMed 0.00009; ExAC 0.00010; gnomAD 0.00013; 1000 Genomes Project 30x 0.00016; 1000 Genomes Project 0.00020.
gnomAD v4.1: 55 of 1,551,162 alleles (0.0035%); highest among the groups gnomAD compares: East Asian, 0.025%; no homozygotes.

Submissions (5):

Blueprint Genetics
Classification: Uncertain significance. Last evaluated: 2023-10-20. Review status: criteria provided, single submitter. Criteria: ACMG Guidelines, 2015. Collection method: clinical testing. Allele origin: germline.

Women's Health and Genetics/Laboratory Corporation of America, LabCorp
Classification: Uncertain significance. Last evaluated: 2023-10-18. Review status: criteria provided, single submitter. Criteria: LabCorp Variant Classification Summary - May 2015. Collection method: clinical testing. Allele origin: germline.
Comment: Variant summary: C1orf84 c.2228A>G (p.His743Arg) results in a non-conservative amino acid change in the encoded protein sequence. Three of four in-silico tools predict a damaging effect of the variant on protein function. The variant allele was found at a frequency of 9.1e-05 in 219442 control chromosomes (gnomAD). To our knowledge, no occurrence of c.2228A>G in individuals affected with Early Infantile Epileptic Encephalopathy 18 and no experimental evidence demonstrating its impact on protein function have been reported. Two submitters have cited clinical-significance assessments for this variant to ClinVar after 2014. All submitters classified the variant as uncertain significance. Based on the evidence outlined above, the variant was classified as uncertain significance.

Labcorp Genetics (formerly Invitae), Labcorp
Classification: Uncertain significance. Last evaluated: 2023-07-25. Review status: criteria provided, single submitter. Criteria: Invitae Variant Classification Sherloc (09022015). Collection method: clinical testing. Allele origin: germline.
Comment: In summary, the available evidence is currently insufficient to determine the role of this variant in disease. Therefore, it has been classified as a Variant of Uncertain Significance. Advanced modeling of protein sequence and biophysical properties (such as structural, functional, and spatial information, amino acid conservation, physicochemical variation, residue mobility, and thermodynamic stability) performed at Invitae indicates that this missense variant is not expected to disrupt SZT2 protein function. ClinVar contains an entry for this variant (Variation ID: 589156). This variant has not been reported in the literature in individuals affected with SZT2-related conditions. This variant is present in population databases (rs545593466, gnomAD 0.06%). This sequence change replaces histidine, which is basic and polar, with arginine, which is basic and polar, at codon 743 of the SZT2 protein (p.His743Arg).

Ambry Genetics
Classification: Uncertain significance for Inborn genetic diseases. Last evaluated: 2023-05-24. Review status: criteria provided, single submitter. Criteria: Ambry Variant Classification Scheme 2023. Collection method: clinical testing. Allele origin: germline.

Genome-Nilou Lab
Classification: Uncertain significance for Developmental and epileptic encephalopathy, 18. Last evaluated: 2023-04-11. Review status: criteria provided, single submitter. Criteria: ACMG Guidelines, 2015. Collection method: clinical testing. Allele origin: germline. Affected: no.

NM_001365999.1(SZT2):c.2228A>G (p.His743Arg)

Gene: SZT2 (SZT2 subunit of KICSTOR complex; plus strand). Cytogenetic location: 1p34.2.
Variant type: single nucleotide variant.
Coding change: c.2228A>G on transcript NM_001365999.1 (MANE Select); coding-DNA position 2228, A replaced by G.
Protein change: p.His743Arg; replaces histidine 743 with arginine.
Molecular consequence: missense variant.
Genome position (GRCh38, 1-based): chr1:43,423,289, A>G. VCF-style: chr1-43423289-A-G. GRCh37 (hg19) VCF-style: chr1-43888960-A-G.
Other names: c.2228A>G, p.His743Arg (NM_015284.4); short protein forms H743R.
Identifiers: ClinVar variation 589156 (VCV000589156.14), dbSNP rs545593466, ClinGen allele CA808636.